The following is an entry in ClinVar:

NM_033004.4(NLRP1):c.2201T>G (p.Val734Gly)

Gene: NLRP1 (NLR family pyrin domain containing 1; minus strand). Cytogenetic location: 17p13.2.
Variant type: single nucleotide variant.
Coding change: c.2201T>G on transcript NM_033004.4 (MANE Select); coding-DNA position 2201, T replaced by G.
Protein change: p.Val734Gly; replaces valine 734 with glycine.
Molecular consequence: missense variant.
Genome position (GRCh38, 1-based): chr17:5,558,495, A>C on the plus strand (T>G on the coding strand, the complement: NLRP1 is on the minus strand). VCF-style: chr17-5558495-A-C. GRCh37 (hg19) VCF-style: chr17-5461815-A-C.
Other names: c.2201T>G, p.Val734Gly (NM_001033053.3, NM_014922.5, NM_033006.4 and 1 more transcripts); short protein forms V734G.
Identifiers: ClinVar variation 1497754 (VCV001497754.6), dbSNP rs2151801669, ClinGen allele CA397382804.
Genomic context (GRCh38, chr17:5,558,495, plus strand): 5'-CACACTAAGAGCTCCATGTCTGTTTCTACACACATGCCCATTTCTTCGAAATGGGCCATC[A>C]CTTGTGTCAGGAACGTTTTGTTCCGAGTCTCGTACAAGCAGTGGAGGGACTCCAGAGAGT-3'
Protein context (NP_127497.1, residues 724-744): ETRNKTFLTQ[Val734Gly]MAHFEEMGMC

ClinVar aggregate classification (germline): Uncertain significance (1 of 4 stars; one submission).

Submission:

Labcorp Genetics (formerly Invitae), Labcorp
Classification: Uncertain significance. Last evaluated: 2025-10-06. Review status: criteria provided, single submitter. Criteria: Invitae Variant Classification Sherloc (09022015). Collection method: clinical testing. Allele origin: germline.
Comment: This sequence change replaces valine, which is neutral and non-polar, with glycine, which is neutral and non-polar, at codon 734 of the NLRP1 protein (p.Val734Gly). This variant is not present in population databases (gnomAD no frequency). This variant has not been reported in the literature in individuals affected with NLRP1-related conditions. ClinVar contains an entry for this variant (Variation ID: 1497754). An algorithm developed to predict the effect of missense changes on protein structure and function (PolyPhen-2) suggests that this variant is likely to be tolerated. In summary, the available evidence is currently insufficient to determine the role of this variant in disease. Therefore, it has been classified as a Variant of Uncertain Significance.